The following is an entry in ClinVar:

ClinVar aggregate classification (germline): Benign (0 of 4 stars; one submission).

Conditions:
FDFT1-related disorder. Also called: FDFT1-related condition.

Submission:

PreventionGenetics, part of Exact Sciences
Classification: Benign for FDFT1-related condition. Last evaluated: 2019-12-05. Review status: no assertion criteria provided. Collection method: clinical testing. Allele origin: germline.
Comment: This variant is classified as benign based on ACMG/AMP sequence variant interpretation guidelines (Richards et al. 2015 PMID: 25741868, with internal and published modifications).

NM_004462.5(FDFT1):c.100-84TCCCAC[4]

Gene: FDFT1 (farnesyl-diphosphate farnesyltransferase 1). Cytogenetic location: 8p23.1.
Variant type: Microsatellite.
Coding change: c.100-84TCCCAC[4] on transcript NM_004462.5 (MANE Select); four copies in a row of the 6-base unit TCCCAC starting at c.100-84.
Molecular consequence: intron variant. On other transcripts: inframe indel (1), inframe deletion (1).
Genome position: GRCh38 VCF-style: chr8-11808709-GTCCCACTCCCAC-G. GRCh37 (hg19) VCF-style: chr8-11666218-GTCCCACTCCCAC-G.
Other names: c.220_231del12 (NM_001287750.1); c.196CACTCC[4], p.66HS[4] (NM_001287750.2); c.100-84TCCCAC[4] (NM_001287742.2, NM_001287743.2); c.-93-84TCCCAC[4] (NM_001287744.2, NM_001287745.2, NM_001287747.2 and 2 more transcripts); c.64+5800TCCCAC[4] (NM_001287756.2).
Identifiers: ClinVar variation 3057202 (VCV003057202.2), dbSNP rs71711801, ClinGen allele CA459313876.
Genomic context (GRCh38, chr8:11,808,709, plus strand): 5'-CTGGCCCTGCAAGGACTGGCCTCGGGGAGAGGGCGGCAGGCTGTGGAGCCGCCTGCCCCA[GTCCCACTCCCAC>G]TCCCACTCCCACTCCCACTCCCACTCCTGCTCCTCGACGTCTCCCACCGCCGTGTGTGTT-3'